The following is an entry in ClinVar:

NM_000548.5(TSC2):c.1562C>T (p.Thr521Ile)

Gene: TSC2 (TSC complex subunit 2; plus strand). Cytogenetic location: 16p13.3.
Variant type: single nucleotide variant.
Coding change: c.1562C>T on transcript NM_000548.5 (MANE Select); coding-DNA position 1562, C replaced by T.
Protein change: p.Thr521Ile; replaces threonine 521 with isoleucine.
Molecular consequence: missense variant. On other transcripts: 5 prime UTR variant (1), non-coding transcript variant (5).
Genome position (GRCh38, 1-based): chr16:2,064,390, C>T. VCF-style: chr16-2064390-C-T. GRCh37 (hg19) VCF-style: chr16-2114391-C-T.
Other names: c.1562C>T, p.Thr521Ile (NM_001077183.3, NM_001114382.3, NM_001363528.2 and 6 more transcripts); c.1451C>T, p.Thr484Ile (NM_001318827.2, NM_001406670.1, NM_001406678.1); c.1415C>T, p.Thr472Ile (NM_001318829.2, NM_001406675.1, NM_001406676.1 and 1 more transcripts); c.962C>T, p.Thr321Ile (NM_001318831.2, NM_001406680.1, NM_001406682.1 and 6 more transcripts); c.1595C>T, p.Thr532Ile (NM_001318832.2); c.1652C>T, p.Thr551Ile (NM_001406667.1, NM_001406668.1); c.1550C>T, p.Thr517Ile (NM_001406671.1, NM_001406673.1); c.1505C>T, p.Thr502Ile (NM_001406677.1); and 3 more; short protein forms T502I, T321I, T517I, T472I, T484I, T521I, T532I, T551I.
Identifiers: ClinVar variation 2626418 (VCV002626418.2), dbSNP rs1378972928, ClinGen allele CA394326548.

ClinVar aggregate classification (germline): Uncertain significance (1 of 4 stars; one submission).

Conditions:
Hereditary cancer-predisposing syndrome. Also called: Tumor predisposition; Hereditary Cancer Syndrome; Hereditary neoplastic syndrome; Neoplastic Syndromes, Hereditary. Identifiers: Orphanet 140162, MedGen C0027672, MeSH D009386, MONDO:0015356.

Submission:

Ambry Genetics
Classification: Uncertain significance for Hereditary cancer-predisposing syndrome. Last evaluated: 2023-07-28. Review status: criteria provided, single submitter. Criteria: Ambry Variant Classification Scheme 2023. Collection method: clinical testing. Allele origin: germline.
Comment: The p.T521I variant (also known as c.1562C>T), located in coding exon 14 of the TSC2 gene, results from a C to T substitution at nucleotide position 1562. The threonine at codon 521 is replaced by isoleucine, an amino acid with similar properties. This amino acid position is well conserved in available vertebrate species. In addition, the in silico prediction for this alteration is inconclusive. Since supporting evidence is limited at this time, the clinical significance of this alteration remains unclear.